The following is an entry in ClinVar:

ClinVar aggregate classification (germline): Conflicting classifications of pathogenicity. Review status: criteria provided, conflicting classifications (1 of 4 stars). 3 submissions from 3 submitters: Uncertain significance (1); Likely benign (2). Last evaluated 2024-10-30.

Conditions:
Myofibrillar myopathy 5. Also called: Filaminopathy (type); FILAMINOPATHY, AUTOSOMAL DOMINANT. Identifiers: Orphanet 171445, MedGen C1836050, MONDO:0012289, OMIM 609524.
Distal myopathy with posterior leg and anterior hand involvement. Also called: WILLIAMS DISTAL MYOPATHY. Identifiers: Orphanet 63273, MedGen C3279722, MONDO:0013550, OMIM 614065.
Hypertrophic cardiomyopathy 26. Also called: Cardiomyopathy, familial hypertrophic, 26. Identifiers: Orphanet 75249, MedGen C4310749, MONDO:0014883, OMIM 617047.

Allele frequency attached by ClinVar (database versions not stated): ExAC 0.00001; gnomAD exomes 0.00001 and 0.00002.
gnomAD v4.1: 12 of 1,613,666 alleles (0.00074%); highest among the groups gnomAD compares: South Asian, 0.011%; no homozygotes.

Submissions (3):

GeneDx
Classification: Likely benign. Last evaluated: 2024-10-30. Review status: criteria provided, single submitter. Criteria: GeneDx Variant Classification Process June 2021. Collection method: clinical testing. Allele origin: germline. Affected: yes.
Comment: See Variant Classification Assertion Criteria.

Blueprint Genetics
Classification: Uncertain significance. Last evaluated: 2024-01-09. Review status: criteria provided, single submitter. Criteria: ACMG Guidelines, 2015. Collection method: clinical testing. Allele origin: germline.

Labcorp Genetics (formerly Invitae), Labcorp
Classification: Likely benign for Distal myopathy with posterior leg and anterior hand involvement; Myofibrillar myopathy 5; Hypertrophic cardiomyopathy 26. Last evaluated: 2023-08-30. Review status: criteria provided, single submitter. Criteria: Invitae Variant Classification Sherloc (09022015). Collection method: clinical testing. Allele origin: germline.

NM_001458.5(FLNC):c.4724C>G (p.Thr1575Ser)

Gene: FLNC (filamin C; plus strand). Cytogenetic location: 7q32.1.
Variant type: single nucleotide variant.
Coding change: c.4724C>G on transcript NM_001458.5 (MANE Select); coding-DNA position 4724, C replaced by G.
Protein change: p.Thr1575Ser; replaces threonine 1575 with serine.
Molecular consequence: missense variant.
Genome position (GRCh38, 1-based): chr7:128,848,704, C>G. VCF-style: chr7-128848704-C-G. GRCh37 (hg19) VCF-style: chr7-128488758-C-G.
Other names: c.4724C>G, p.Thr1575Ser (NM_001127487.2); short protein forms T1575S.
Identifiers: ClinVar variation 862745 (VCV000862745.12), dbSNP rs773294974, ClinGen allele CA4475429.